The following is an entry in ClinVar:

NM_003327.4(TNFRSF4):c.314_315del (p.Thr105fs)

Gene: TNFRSF4 (TNF receptor superfamily member 4; minus strand). Cytogenetic location: 1p36.33.
Variant type: Microsatellite.
Coding change: c.314_315del on transcript NM_003327.4 (MANE Select); coding-DNA positions 314 to 315, 2 bases deleted (CA; older notation c.314_315delCA).
Protein change: p.Thr105fs; shifts the reading frame from threonine 105.
Molecular consequence: frameshift variant.
Genome position (GRCh38, 1-based): chr1:1,213,047-1,213,048, TG deleted on the plus strand (CA on the coding strand, the reverse complement: TNFRSF4 is on the minus strand); deleting any 2 consecutive bases within chr1:1,213,047-1,213,051 gives the same sequence; the c. name uses the placement nearest the transcript's 3' end. VCF-style (leftmost placement, unchanged base first): chr1-1213046-CTG-C. GRCh37 (hg19) VCF-style: chr1-1148426-CTG-C.
Other names: short protein forms T105fs.
Identifiers: ClinVar variation 1505223 (VCV001505223.6), dbSNP rs1388272030, ClinGen allele CA520599116.

ClinVar aggregate classification (germline): Uncertain significance (1 of 4 stars; one submission).

Conditions:
Combined immunodeficiency due to OX40 deficiency. Also called: OX40 DEFICIENCY; Immunodeficiency 16. Identifiers: Orphanet 431149, MedGen C3810053, MONDO:0014268, OMIM 615593.

Submission:

Labcorp Genetics (formerly Invitae), Labcorp
Classification: Uncertain significance for Combined immunodeficiency due to OX40 deficiency. Last evaluated: 2021-04-23. Review status: criteria provided, single submitter. Criteria: Invitae Variant Classification Sherloc (09022015). Collection method: clinical testing. Allele origin: germline.
Comment: In summary, the available evidence is currently insufficient to determine the role of this variant in disease. Therefore, it has been classified as a Variant of Uncertain Significance. This variant has not been reported in the literature in individuals with TNFRSF4-related conditions. This variant is not present in population databases (ExAC no frequency). This sequence change creates a premature translational stop signal (p.Thr105Serfs*19) in the TNFRSF4 gene. It is expected to result in an absent or disrupted protein product. However, the current clinical and genetic evidence is not sufficient to establish whether loss-of-function variants in TNFRSF4 cause disease.